The following is an entry in ClinVar:

ClinVar aggregate classification (germline): Pathogenic/Likely pathogenic. Review status: criteria provided, multiple submitters, no conflicts (2 of 4 stars). 3 submissions from 3 submitters: Pathogenic (1); Likely pathogenic (1). 1 of the submissions does not count toward it. Last evaluated 2023-04-06.

Conditions:
KRT5-related disorder. Also called: KRT5-related condition.

Allele frequency attached by ClinVar (database versions not stated): gnomAD exomes 0.00001.

Submissions (3):

GeneDx
Classification: Pathogenic. Last evaluated: 2023-04-06. Review status: criteria provided, single submitter. Criteria: GeneDx Variant Classification Process June 2021. Collection method: clinical testing. Allele origin: germline. Affected: yes.
Comment: Not observed at significant frequency in large population cohorts (gnomAD); Located in the highly conserved helix initiation motif of the alpha-helical rod domain, which is intolerant to change; variants in this motif interfere with proper keratin intermediate filament assembly and function, resulting in skin fragility and/or hyperkeratosis (Chamcheu et al., 2011); In silico analysis supports that this missense variant has a deleterious effect on protein structure/function; In addition, in silico splice predictors suggest this variant may lead to abnormal gene splicing; This variant is associated with the following publications: (PMID: 21176769, 21375516, 15140024)

Blueprint Genetics
Classification: Likely pathogenic for KRT5-related disorders. Last evaluated: 2020-07-23. Review status: criteria provided, single submitter. Criteria: ACMG Guidelines, 2015. Collection method: clinical testing. Allele origin: germline. Affected: yes. Observed: 1 variant allele.

Epithelial Biology;  Institute of Medical Biology, Singapore
No classification provided. Review status: no classification provided. Collection method: not provided. Allele origin: not provided. Not counted in ClinVar's aggregate classification.

NM_000424.4(KRT5):c.530A>G (p.Asn177Ser)

Gene: KRT5 (keratin 5; minus strand). Cytogenetic location: 12q13.13.
Variant type: single nucleotide variant.
Coding change: c.530A>G on transcript NM_000424.4 (MANE Select); coding-DNA position 530, A replaced by G.
Protein change: p.Asn177Ser; replaces asparagine 177 with serine.
Molecular consequence: missense variant.
Genome position (GRCh38, 1-based): chr12:52,519,767, T>C on the plus strand (A>G on the coding strand, the complement: KRT5 is on the minus strand). VCF-style: chr12-52519767-T-C. GRCh37 (hg19) VCF-style: chr12-52913551-T-C.
Other names: short protein forms N177S.
Identifiers: ClinVar variation 66254 (VCV000066254.3), dbSNP rs61495052, ClinGen allele CA216741.